The following is an entry in ClinVar:

ClinVar aggregate classification (germline): Uncertain significance (1 of 4 stars; one submission).

Submission:

Labcorp Genetics (formerly Invitae), Labcorp
Classification: Uncertain significance. Last evaluated: 2025-03-05. Review status: criteria provided, single submitter. Criteria: Invitae Variant Classification Sherloc (09022015). Collection method: clinical testing. Allele origin: germline.
Comment: This sequence change replaces valine, which is neutral and non-polar, with glycine, which is neutral and non-polar, at codon 923 of the ZHX3 protein (p.Val923Gly). This variant is not present in population databases (gnomAD no frequency). This variant has not been reported in the literature in individuals affected with ZHX3-related conditions. An algorithm developed to predict the effect of missense changes on protein structure and function (PolyPhen-2) suggests that this variant is likely to be tolerated. In summary, the available evidence is currently insufficient to determine the role of this variant in disease. Therefore, it has been classified as a Variant of Uncertain Significance.

NM_001384317.1(ZHX3):c.2768T>G (p.Val923Gly)

Gene: ZHX3 (zinc fingers and homeoboxes 3; minus strand). Cytogenetic location: 20q12.
Variant type: single nucleotide variant.
Coding change: c.2768T>G on transcript NM_001384317.1 (MANE Select); coding-DNA position 2768, T replaced by G.
Protein change: p.Val923Gly; replaces valine 923 with glycine.
Molecular consequence: missense variant. On other transcripts: intron variant (1).
Genome position (GRCh38, 1-based): chr20:41,202,149, A>C on the plus strand (T>G on the coding strand, the complement: ZHX3 is on the minus strand). VCF-style: chr20-41202149-A-C. GRCh37 (hg19) VCF-style: chr20-39830789-A-C.
Other names: c.2768T>G, p.Val923Gly (NM_001384315.1, NM_001384316.1, NM_001384318.1 and 7 more transcripts); c.2634+134T>G (NM_001384324.1); short protein forms V923G.
Identifiers: ClinVar variation 4714459 (VCV004714459.1).
Genomic context (GRCh38, chr20:41,202,149, plus strand): 5'-TCAAAGGGCTCTGAGCTGGCCTCAGGGACACGGGGCTCCCACGACTCACTGTTCTCAGAC[A>C]CCTCTGAATAGGTGTCACCCATCCCTTTGTGAACTGCTGTGAGCTCACCAGTACCAGGGC-3'
Protein context (NP_001371246.1, residues 913-933): HKGMGDTYSE[Val923Gly]SENSESWEPR